The following is an entry in ClinVar:

NM_001374353.1(GLI2):c.900del (p.Ser301fs)

Gene: GLI2 (GLI family zinc finger 2; plus strand). Cytogenetic location: 2q14.2.
Variant type: Deletion.
Coding change: c.900del on transcript NM_001374353.1 (MANE Select); coding-DNA position 900, one base deleted (G; older notation c.900delG).
Protein change: p.Ser301fs; shifts the reading frame from serine 301.
Molecular consequence: frameshift variant.
Genome position (GRCh38, 1-based): chr2:120,970,447, G deleted. VCF-style (leftmost placement, unchanged base first): chr2-120970446-TG-T. GRCh37 (hg19) VCF-style: chr2-121728022-TG-T.
Other names: c.900del, p.Ser301fs (NM_001371271.1, NM_005270.5); c.525del, p.Ser176fs (NM_001374354.1); short protein forms S176fs, S301fs.
Identifiers: ClinVar variation 1172578 (VCV001172578.1), dbSNP rs2105019803, ClinGen allele CA2499214958.

ClinVar aggregate classification (germline): Likely pathogenic (1 of 4 stars; one submission).

Conditions:
Postaxial polydactyly-anterior pituitary anomalies-facial dysmorphism syndrome. Also called: Culler-Jones syndrome. Identifiers: Orphanet 420584, MedGen C4014479, MONDO:0014369, OMIM 615849.

Submission:

Hadassah Hebrew University Medical Center
Classification: Likely pathogenic for Postaxial polydactyly-anterior pituitary anomalies-facial dysmorphism syndrome. Last evaluated: 2019-06-20. Review status: criteria provided, single submitter. Criteria: ACMG Guidelines, 2015. Collection method: clinical testing. Allele origin: germline. Inheritance: Autosomal dominant inheritance. Affected: yes. Observed: 1 heterozygote.